The following is an entry in ClinVar:

ClinVar aggregate classification (germline): Uncertain significance. Review status: criteria provided, multiple submitters, no conflicts (2 of 4 stars). 3 submissions from 3 submitters: Uncertain significance (3). Last evaluated 2024-11-14.

Conditions:
Fanconi anemia complementation group Q. Identifiers: Orphanet 84, MedGen C3808988, MONDO:0014108, OMIM 615272.
Cockayne syndrome. Identifiers: Orphanet 191, MedGen C0009207, MONDO:0016006.
Xeroderma pigmentosum, group F (XPF). Also called: XERODERMA PIGMENTOSUM VI; XP, GROUP F; XERODERMA PIGMENTOSUM, COMPLEMENTATION GROUP F; ERCC4-Related Xeroderma Pigmentosum; XERODERMA PIGMENTOSUM, TYPE F; Xeroderma pigmentosum, type 6. Identifiers: MedGen C0268140, MONDO:0010215, OMIM 278760.
XFE progeroid syndrome (XFEPS). Also called: XPF-ERCC1 PROGEROID SYNDROME. Identifiers: MedGen C1970416, MONDO:0012590, OMIM 610965.

Allele frequency attached by ClinVar (database versions not stated): ExAC 0.00002; gnomAD 0.00002; gnomAD exomes 0.00002 and 0.00003; TOPMed 0.00001.

Submissions (3):

Blueprint Genetics
Classification: Uncertain significance. Last evaluated: 2024-11-14. Review status: criteria provided, single submitter. Criteria: ACMG Guidelines, 2015. Collection method: clinical testing. Allele origin: germline.

Labcorp Genetics (formerly Invitae), Labcorp
Classification: Uncertain significance for Fanconi anemia complementation group Q; Xeroderma pigmentosum, group F; Cockayne syndrome. Last evaluated: 2023-07-25. Review status: criteria provided, single submitter. Criteria: Invitae Variant Classification Sherloc (09022015). Collection method: clinical testing. Allele origin: germline.
Comment: In summary, the available evidence is currently insufficient to determine the role of this variant in disease. Therefore, it has been classified as a Variant of Uncertain Significance. Advanced modeling of protein sequence and biophysical properties (such as structural, functional, and spatial information, amino acid conservation, physicochemical variation, residue mobility, and thermodynamic stability) performed at Invitae indicates that this missense variant is not expected to disrupt ERCC4 protein function. ClinVar contains an entry for this variant (Variation ID: 541248). This variant has not been reported in the literature in individuals affected with ERCC4-related conditions. This variant is present in population databases (rs202243691, gnomAD 0.01%). This sequence change replaces arginine, which is basic and polar, with glutamine, which is neutral and polar, at codon 292 of the ERCC4 protein (p.Arg292Gln).

Department of Pathology and Laboratory Medicine, Sinai Health System
Classification: Uncertain significance for Xeroderma pigmentosum, group F; XFE progeroid syndrome; Fanconi anemia complementation group Q. Last evaluated: 2021-07-30. Review status: criteria provided, single submitter. Criteria: ACMG Guidelines, 2015. Collection method: research. Allele origin: germline.

NM_005236.3(ERCC4):c.875G>A (p.Arg292Gln)

Gene: ERCC4 (ERCC excision repair 4, endonuclease catalytic subunit; plus strand). Cytogenetic location: 16p13.12.
Variant type: single nucleotide variant.
Coding change: c.875G>A on transcript NM_005236.3 (MANE Select); coding-DNA position 875, G replaced by A.
Protein change: p.Arg292Gln; replaces arginine 292 with glutamine.
Molecular consequence: missense variant.
Genome position (GRCh38, 1-based): chr16:13,930,792, G>A. VCF-style: chr16-13930792-G-A. GRCh37 (hg19) VCF-style: chr16-14024649-G-A.
Other names: short protein forms R292Q.
Identifiers: ClinVar variation 541248 (VCV000541248.9), dbSNP rs202243691, ClinGen allele CA7910295.